The following is an entry in ClinVar:

ClinVar aggregate classification (germline): Likely benign (1 of 4 stars; one submission).

Submission:

GeneDx
Classification: Likely benign. Last evaluated: 2017-11-02. Review status: criteria provided, single submitter. Criteria: GeneDx Variant Classification (06012015). Collection method: clinical testing. Allele origin: germline. Affected: yes.
Comment: This variant is considered likely benign or benign based on one or more of the following criteria: it is a conservative change, it occurs at a poorly conserved position in the protein, it is predicted to be benign by multiple in silico algorithms, and/or has population frequency not consistent with disease.

NM_002474.3(MYH11):c.2421C>T (p.Ala807=)

Gene: MYH11 (myosin heavy chain 11; minus strand). Cytogenetic location: 16p13.11.
Variant type: single nucleotide variant.
Coding change: c.2421C>T on transcript NM_002474.3 (MANE Select); coding-DNA position 2421, C replaced by T.
Protein change: p.Ala807=; no amino-acid change (alanine 807 retained).
Molecular consequence: synonymous variant.
Genome position (GRCh38, 1-based): chr16:15,745,228, G>A on the plus strand (C>T on the coding strand, the complement: MYH11 is on the minus strand). VCF-style: chr16-15745228-G-A. GRCh37 (hg19) VCF-style: chr16-15839085-G-A.
Other names: c.2442C>T, p.Ala814= (NM_001040113.2, NM_001040114.2); c.2421C>T, p.Ala807= (NM_022844.3).
Identifiers: ClinVar variation 512996 (VCV000512996.1), dbSNP rs1555559643, ClinGen allele CA493791895.